The following is an entry in ClinVar:

ClinVar aggregate classification (germline): Uncertain significance (1 of 4 stars; one submission).

Conditions:
Hypertrophic cardiomyopathy 19. Also called: Familial hypertrophic cardiomyopathy 19. Identifiers: MedGen CN077603, MONDO:0013476.

Allele frequency attached by ClinVar (database versions not stated): gnomAD exomes below 0.00001; ExAC 0.00001.

Submission:

Labcorp Genetics (formerly Invitae), Labcorp
Classification: Uncertain significance for Hypertrophic cardiomyopathy 19. Last evaluated: 2023-06-24. Review status: criteria provided, single submitter. Criteria: Invitae Variant Classification Sherloc (09022015). Collection method: clinical testing. Allele origin: germline.
Comment: In summary, the available evidence is currently insufficient to determine the role of this variant in disease. Therefore, it has been classified as a Variant of Uncertain Significance. This variant has not been reported in the literature in individuals affected with CALR3-related conditions. This variant is present in population databases (rs770476504, gnomAD 0.0009%). This sequence change creates a premature translational stop signal (p.Ser78Leufs*20) in the CALR3 gene. It is expected to result in an absent or disrupted protein product. However, the current clinical and genetic evidence is not sufficient to establish whether loss-of-function variants in CALR3 cause disease.

NM_145046.5(CALR3):c.231del (p.Ser78fs)

Gene: CALR3 (calreticulin 3; minus strand). Cytogenetic location: 19p13.11.
Variant type: Deletion.
Coding change: c.231del on transcript NM_145046.5 (MANE Select); coding-DNA position 231, one base deleted (C; older notation c.231delC).
Protein change: p.Ser78fs; shifts the reading frame from serine 78.
Molecular consequence: frameshift variant.
Genome position (GRCh38, 1-based): chr19:16,490,533, G deleted on the plus strand (C on the coding strand, the reverse complement: CALR3 is on the minus strand). VCF-style (leftmost placement, unchanged base first): chr19-16490532-AG-A. GRCh37 (hg19) VCF-style: chr19-16601343-AG-A.
Other names: short protein forms S78fs.
Identifiers: ClinVar variation 2727129 (VCV002727129.3), dbSNP rs770476504, ClinGen allele CA9278462.
Genomic context (GRCh38, chr19:16,490,532, plus strand): 5'-TTACTGTGTACTGAATAACCAGAGTTTTCCCTTTATTGCTGAACGGTTTGAAGCGTGCAG[AG>A]ATGGCATAGAATCGGCCATTCTGAGTGGTTTGCAGACCTTTGAACAAAATATACTCATGA-3'